The following is an entry in ClinVar:

NM_032638.5(GATA2):c.1124del (p.Leu375fs)

Gene: GATA2 (GATA binding protein 2; minus strand). Cytogenetic location: 3q21.3.
Variant type: Deletion.
Coding change: c.1124del on transcript NM_032638.5 (MANE Select); coding-DNA position 1124, one base deleted (T; older notation c.1124delT).
Protein change: p.Leu375fs; shifts the reading frame from leucine 375.
Molecular consequence: frameshift variant.
Genome position (GRCh38, 1-based): chr3:128,481,838, A deleted on the plus strand (T on the coding strand, the reverse complement: GATA2 is on the minus strand). VCF-style (leftmost placement, unchanged base first): chr3-128481837-GA-G. GRCh37 (hg19) VCF-style: chr3-128200680-GA-G.
Other names: c.1124del, p.Leu375fs (NM_001145661.2); c.1082del, p.Leu361fs (NM_001145662.1); short protein forms L361fs, L375fs.
Identifiers: ClinVar variation 1184191 (VCV001184191.1), dbSNP rs2107668601, ClinGen allele CA2499216430.

ClinVar aggregate classification (germline): Pathogenic (1 of 4 stars; one submission).

Conditions:
Deafness-lymphedema-leukemia syndrome. Also called: Emberger syndrome; Lymphedema, primary, with myelodysplasia. Identifiers: Orphanet 3226, MedGen C3279664, MONDO:0013540, OMIM 614038.
GATA2 deficiency with susceptibility to MDS/AML. Identifiers: MedGen CN300066, MONDO:0042982.

Submission:

Molecular Pathology Research Laboratory, SA Pathology
Classification: Pathogenic for GATA2 deficiency with susceptibility to MDS/AML; Deafness-lymphedema-leukemia syndrome. Last evaluated: 2021-07-06. Review status: criteria provided, single submitter. Criteria: ACMG Guidelines, 2015. Collection method: curation. Allele origin: de novo. Inheritance: Autosomal dominant inheritance. Affected: yes. Observed: 2 variant alleles.
Comment: PVS1, PS2, PS4_Moderate, PM2

Literature cited by the submitters: PubMed 26702063; PubMed 31340620.